The following is an entry in ClinVar:

NM_018297.4(NGLY1):c.1682G>A (p.Gly561Asp)

Gene: NGLY1 (N-glycanase 1; minus strand). Cytogenetic location: 3p24.2.
Variant type: single nucleotide variant.
Coding change: c.1682G>A on transcript NM_018297.4 (MANE Select); coding-DNA position 1682, G replaced by A.
Protein change: p.Gly561Asp; replaces glycine 561 with aspartic acid.
Molecular consequence: missense variant. On other transcripts: intron variant (1).
Genome position (GRCh38, 1-based): chr3:25,720,121, C>T on the plus strand (G>A on the coding strand, the complement: NGLY1 is on the minus strand). VCF-style: chr3-25720121-C-T. GRCh37 (hg19) VCF-style: chr3-25761612-C-T.
Other names: c.1628G>A, p.Gly543Asp (NM_001145293.2); c.1556G>A, p.Gly519Asp (NM_001145294.2); c.1612-486G>A (NM_001145295.2); short protein forms G543D, G519D, G561D.
Identifiers: ClinVar variation 2095510 (VCV002095510.1), dbSNP rs532299911, ClinGen allele CA2289096.

ClinVar aggregate classification (germline): Uncertain significance (1 of 4 stars; one submission).

Conditions:
Congenital disorder of deglycosylation (CDDG). Identifiers: MedGen C3808991, MONDO:0031376.

Allele frequency attached by ClinVar (database versions not stated): gnomAD exomes below 0.00001; TOPMed below 0.00001; ExAC 0.00001; gnomAD 0.00001; 1000 Genomes Project 30x 0.00016; 1000 Genomes Project 0.00020.
gnomAD v4.1: 4 of 1,613,632 alleles (0.00025%); highest among the groups gnomAD compares: South Asian, 0.0033%; no homozygotes.

Submission:

Labcorp Genetics (formerly Invitae), Labcorp
Classification: Uncertain significance for Congenital disorder of deglycosylation. Last evaluated: 2022-02-09. Review status: criteria provided, single submitter. Criteria: Invitae Variant Classification Sherloc (09022015). Collection method: clinical testing. Allele origin: germline.
Comment: This sequence change replaces glycine, which is neutral and non-polar, with aspartic acid, which is acidic and polar, at codon 561 of the NGLY1 protein (p.Gly561Asp). The frequency data for this variant in the population databases is considered unreliable, as metrics indicate poor data quality at this position in the gnomAD database. This variant has not been reported in the literature in individuals affected with NGLY1-related conditions. Algorithms developed to predict the effect of missense changes on protein structure and function (SIFT, PolyPhen-2, Align-GVGD) all suggest that this variant is likely to be tolerated. In summary, the available evidence is currently insufficient to determine the role of this variant in disease. Therefore, it has been classified as a Variant of Uncertain Significance.